The following is an entry in ClinVar:

NC_000018.9:g.(?_43432432)_(43535324_?)del

Gene: EPG5 (ectopic P-granules 5 autophagy tethering factor; minus strand). Cytogenetic location: 18q12.3-21.1.
Variant type: Deletion.
Identifiers: ClinVar variation 3242747 (VCV003242747.1).

ClinVar aggregate classification (germline): Pathogenic (1 of 4 stars; one submission).

Conditions:
Vici syndrome (VICIS). Identifiers: Orphanet 1493, MedGen C1855772, MONDO:0009452, OMIM 242840.

Submission:

Labcorp Genetics (formerly Invitae), Labcorp
Classification: Pathogenic for Vici syndrome. Last evaluated: 2023-02-02. Review status: criteria provided, single submitter. Criteria: Invitae Variant Classification Sherloc (09022015). Collection method: clinical testing. Allele origin: unknown.
Comment: For these reasons, this variant has been classified as Pathogenic. This variant disrupts a region of the EPG5 protein in which other variant(s) (p.Gln336Arg) have been determined to be pathogenic (PMID: 26917586, 31184778; Invitae). This suggests that this is a clinically significant region of the protein, and that variants that disrupt it are likely to be disease-causing. This variant has not been reported in the literature in individuals affected with EPG5-related conditions. This variant is a gross deletion of the genomic region encompassing exon(s) 2-44 of the EPG5 gene, which includes the termination codon. This deletion extends beyond the assayed region for this gene and therefore may encompass additional genes. While this deletion is not anticipated to lead to nonsense mediated decay, it is expected to alter mRNA translation or result in a truncated protein product.

Literature cited by the submitters: PubMed 26917586; PubMed 31184778.